The following is an entry in ClinVar:

NM_006389.5(HYOU1):c.1886C>A (p.Pro629Gln)

Gene: HYOU1 (hypoxia up-regulated 1; minus strand). Cytogenetic location: 11q23.3.
Variant type: single nucleotide variant.
Coding change: c.1886C>A on transcript NM_006389.5 (MANE Select); coding-DNA position 1886, C replaced by A.
Protein change: p.Pro629Gln; replaces proline 629 with glutamine.
Molecular consequence: missense variant.
Genome position (GRCh38, 1-based): chr11:119,049,124, G>T on the plus strand (C>A on the coding strand, the complement: HYOU1 is on the minus strand). VCF-style: chr11-119049124-G-T. GRCh37 (hg19) VCF-style: chr11-118919836-G-T.
Other names: c.1886C>A, p.Pro629Gln (NM_001130991.3, NM_001411041.1); short protein forms P629Q.
Identifiers: ClinVar variation 3009067 (VCV003009067.3), dbSNP rs931596164, ClinGen allele CA229619704.
Genomic context (GRCh38, chr11:119,049,124, plus strand): 5'-CCCTCAGGGGTTGCATCTCCCTTAGGTTCAGGGGGTGGGGGCTGAGAGCCATCCTCCACT[G>T]GGGCCTCAGCTTCCTCCTTGAGCTCCACCTGCTCCCCAGGCTCGTCCTTGCTCCCCTCTG-3'
Protein context (NP_006380.1, residues 619-639): QVELKEEAEA[Pro629Gln]VEDGSQPPPP

ClinVar aggregate classification (germline): Uncertain significance (1 of 4 stars; one submission).

Allele frequency attached by ClinVar (database versions not stated): gnomAD 0.00001.
gnomAD v4.1: 28 of 1,613,778 alleles (0.0017%); highest among the groups gnomAD compares: Non-Finnish European, 0.0023%; no homozygotes.

Submission:

Labcorp Genetics (formerly Invitae), Labcorp
Classification: Uncertain significance. Last evaluated: 2024-03-04. Review status: criteria provided, single submitter. Criteria: Invitae Variant Classification Sherloc (09022015). Collection method: clinical testing. Allele origin: germline.
Comment: This sequence change replaces proline, which is neutral and non-polar, with glutamine, which is neutral and polar, at codon 629 of the HYOU1 protein (p.Pro629Gln). This variant is present in population databases (no rsID available, gnomAD 0.0009%). This variant has not been reported in the literature in individuals affected with HYOU1-related conditions. An algorithm developed to predict the effect of missense changes on protein structure and function (PolyPhen-2) suggests that this variant is likely to be tolerated. In summary, the available evidence is currently insufficient to determine the role of this variant in disease. Therefore, it has been classified as a Variant of Uncertain Significance.